The following is an entry in ClinVar:

NM_001130823.3(DNMT1):c.3452A>G (p.Lys1151Arg)

Gene: DNMT1 (DNA methyltransferase 1; minus strand). Cytogenetic location: 19p13.2.
Variant type: single nucleotide variant.
Coding change: c.3452A>G on transcript NM_001130823.3 (MANE Select); coding-DNA position 3452, A replaced by G.
Protein change: p.Lys1151Arg; replaces lysine 1151 with arginine.
Molecular consequence: missense variant.
Genome position (GRCh38, 1-based): chr19:10,140,852, T>C on the plus strand (A>G on the coding strand, the complement: DNMT1 is on the minus strand). VCF-style: chr19-10140852-T-C. GRCh37 (hg19) VCF-style: chr19-10251528-T-C.
Other names: c.3404A>G, p.Lys1135Arg (NM_001318730.2, NM_001379.4); c.3089A>G, p.Lys1030Arg (NM_001318731.2); short protein forms K1135R, K1030R, K1151R.
Identifiers: ClinVar variation 1041544 (VCV001041544.10), dbSNP rs752571105, ClinGen allele CA9187745.

ClinVar aggregate classification (germline): Uncertain significance. Review status: criteria provided, multiple submitters, no conflicts (2 of 4 stars). 2 submissions from 2 submitters: Uncertain significance (2). Last evaluated 2026-06-01.

Conditions:
Hereditary sensory neuropathy-deafness-dementia syndrome. Also called: NEUROPATHY, HEREDITARY SENSORY, WITH HEARING LOSS AND DEMENTIA; HSN IE; Hereditary sensory neuropathy type IE; Hereditary Sensory and Autonomic Neuropathy Type 1E (HSAN1E). Identifiers: Orphanet 456318, MedGen C3279885, MONDO:0013584, OMIM 614116.

Allele frequency attached by ClinVar (database versions not stated): gnomAD exomes below 0.00001; TOPMed below 0.00001; ExAC 0.00001.
gnomAD v4.1: 7 of 1,614,204 alleles (0.00043%); highest among the groups gnomAD compares: Non-Finnish European, 0.00034%; no homozygotes.

Submissions (2):

CeGaT Center for Human Genetics Tuebingen
Classification: Uncertain significance. Last evaluated: 2026-06-01. Review status: criteria provided, single submitter. Criteria: CeGaT Center For Human Genetics Tuebingen Variant Classification Criteria Version 2. Collection method: clinical testing. Allele origin: germline. Affected: yes. Observed: 1 variant allele.
Comment: DNMT1: PP2, BP4

Labcorp Genetics (formerly Invitae), Labcorp
Classification: Uncertain significance for Hereditary sensory neuropathy-deafness-dementia syndrome. Last evaluated: 2022-07-29. Review status: criteria provided, single submitter. Criteria: Invitae Variant Classification Sherloc (09022015). Collection method: clinical testing. Allele origin: germline.
Comment: In summary, the available evidence is currently insufficient to determine the role of this variant in disease. Therefore, it has been classified as a Variant of Uncertain Significance. Algorithms developed to predict the effect of sequence changes on RNA splicing suggest that this variant may disrupt the consensus splice site. Algorithms developed to predict the effect of missense changes on protein structure and function (SIFT, PolyPhen-2, Align-GVGD) all suggest that this variant is likely to be tolerated. ClinVar contains an entry for this variant (Variation ID: 1041544). This variant has not been reported in the literature in individuals affected with DNMT1-related conditions. This variant is present in population databases (rs752571105, gnomAD 0.01%). This sequence change replaces lysine, which is basic and polar, with arginine, which is basic and polar, at codon 1151 of the DNMT1 protein (p.Lys1151Arg).